The following is an entry in ClinVar:

NM_002291.3(LAMB1):c.2906T>C (p.Val969Ala)

Gene: LAMB1 (laminin subunit beta 1; minus strand). Cytogenetic location: 7q31.1.
Variant type: single nucleotide variant.
Coding change: c.2906T>C on transcript NM_002291.3 (MANE Select); coding-DNA position 2906, T replaced by C.
Protein change: p.Val969Ala; replaces valine 969 with alanine.
Molecular consequence: missense variant.
Genome position (GRCh38, 1-based): chr7:107,953,703, A>G on the plus strand (T>C on the coding strand, the complement: LAMB1 is on the minus strand). VCF-style: chr7-107953703-A-G. GRCh37 (hg19) VCF-style: chr7-107594148-A-G.
Other names: c.2906T>C (NM_002291.2); short protein forms V969A.
Identifiers: ClinVar variation 810174 (VCV000810174.44), dbSNP rs755484957, ClinGen allele CA4435484.
Genomic context (GRCh38, chr7:107,953,703, plus strand): 5'-GCTTCTGGGTCTGTCGTGTCAATGTTGTTGTGACACTGGCAAGGCTGACACGACCCCCCA[A>G]CTTCTGATGGATTGCCAAAGTATCCTGAGGCACAGTCGTCACATCTGGAACCTGTCACCC-3'
Protein context (NP_002282.2, residues 959-979): ASGYFGNPSE[Val969Ala]GGSCQPCQCH

ClinVar aggregate classification (germline): Conflicting classifications of pathogenicity. Review status: criteria provided, conflicting classifications (1 of 4 stars). 3 submissions from 3 submitters: Uncertain significance (2); Likely benign (1). Last evaluated 2025-05-23.

Conditions:
Inborn genetic diseases. Identifiers: MedGen C0950123, MeSH D030342.

Allele frequency attached by ClinVar (database versions not stated): gnomAD 0.00001; gnomAD exomes 0.00001; ExAC 0.00002.
gnomAD v4.1: 17 of 1,614,022 alleles (0.0011%); highest among the groups gnomAD compares: Middle Eastern, 0.066%; 1 homozygote.

Submissions (3):

Ambry Genetics
Classification: Uncertain significance for Inborn genetic diseases. Last evaluated: 2025-05-23. Review status: criteria provided, single submitter. Criteria: Ambry Variant Classification Scheme 2023. Collection method: clinical testing. Allele origin: germline.

CeGaT Center for Human Genetics Tuebingen
Classification: Likely benign. Last evaluated: 2025-01-01. Review status: criteria provided, single submitter. Criteria: CeGaT Center For Human Genetics Tuebingen Variant Classification Criteria Version 2. Collection method: clinical testing. Allele origin: germline. Affected: yes. Observed: 2 variant alleles.
Comment: LAMB1: BP4, BS2

Labcorp Genetics (formerly Invitae), Labcorp
Classification: Uncertain significance. Last evaluated: 2024-02-08. Review status: criteria provided, single submitter. Criteria: Invitae Variant Classification Sherloc (09022015). Collection method: clinical testing. Allele origin: germline.
Comment: This sequence change replaces valine, which is neutral and non-polar, with alanine, which is neutral and non-polar, at codon 969 of the LAMB1 protein (p.Val969Ala). This variant is present in population databases (rs755484957, gnomAD 0.003%), including at least one homozygous and/or hemizygous individual. This variant has not been reported in the literature in individuals affected with LAMB1-related conditions. ClinVar contains an entry for this variant (Variation ID: 810174). An algorithm developed to predict the effect of missense changes on protein structure and function (PolyPhen-2) suggests that this variant is likely to be tolerated. In summary, the available evidence is currently insufficient to determine the role of this variant in disease. Therefore, it has been classified as a Variant of Uncertain Significance.